The following is an entry in ClinVar:

NM_001080467.3(MYO5B):c.5071G>T (p.Ala1691Ser)

Genes: MYO5B (myosin VB; minus strand), SNHG22 (small nucleolar RNA host gene 22; plus strand). Cytogenetic location: 18q21.1.
Variant type: single nucleotide variant.
Coding change: c.5071G>T on transcript NM_001080467.3 (MANE Select); coding-DNA position 5071, G replaced by T.
Protein change: p.Ala1691Ser; replaces alanine 1691 with serine.
Molecular consequence: missense variant.
Genome position (GRCh38, 1-based): chr18:49,837,584, C>A on the plus strand (G>T on the coding strand, the complement: MYO5B is on the minus strand). VCF-style: chr18-49837584-C-A. GRCh37 (hg19) VCF-style: chr18-47363954-C-A.
Other names: short protein forms A1691S.
Identifiers: ClinVar variation 4988963 (VCV004988963.1).

ClinVar aggregate classification (germline): Uncertain significance (1 of 4 stars; one submission).

Conditions:
MYO5B-related disorder. Also called: MYO5B-related condition.

Submission:

PreventionGenetics, part of Exact Sciences
Classification: Uncertain significance for MYO5B-related condition. Last evaluated: 2026-04-27. Review status: criteria provided, single submitter. Criteria: ACMG Guidelines, 2015. Collection method: clinical testing. Allele origin: germline.
Comment: The MYO5B c.5071G>T variant is predicted to result in the amino acid substitution p.Ala1691Ser. To our knowledge, this variant has not been reported in the literature or in a large population database (gnomAD), indicating this variant is rare. At this time, the clinical significance of this variant is uncertain due to the absence of conclusive functional and genetic evidence.